The following is an entry in ClinVar:

NM_014319.5(LEMD3):c.11C>G (p.Ala4Gly)

Gene: LEMD3 (LEM domain containing 3; plus strand). Cytogenetic location: 12q14.3.
Variant type: single nucleotide variant.
Coding change: c.11C>G on transcript NM_014319.5 (MANE Select); coding-DNA position 11, C replaced by G.
Protein change: p.Ala4Gly; replaces alanine 4 with glycine.
Molecular consequence: missense variant.
Genome position (GRCh38, 1-based): chr12:65,169,607, C>G. VCF-style: chr12-65169607-C-G. GRCh37 (hg19) VCF-style: chr12-65563387-C-G.
Other names: c.11C>G, p.Ala4Gly (NM_001167614.2); short protein forms A4G.
Identifiers: ClinVar variation 2896230 (VCV002896230.3), dbSNP rs1592423587, ClinGen allele CA385670779.
Genomic context (GRCh38, chr12:65,169,607, plus strand): 5'-GGCGCGTCACTTCCGGTAGCGCGGAGCTTGTAAAACACCCTGGAGAGAAAATGGCGGCGG[C>G]AGCAGCTTCGGCGCCTCAGCAGCTCTCGGATGAGGAGCTTTTCTCTCAGCTCCGCCGTTA-3'
Protein context (NP_055134.2, residues 1-14): MAA[Ala4Gly]AASAPQQLSD

ClinVar aggregate classification (germline): Uncertain significance (1 of 4 stars; one submission).

Submission:

Labcorp Genetics (formerly Invitae), Labcorp
Classification: Uncertain significance. Last evaluated: 2023-08-17. Review status: criteria provided, single submitter. Criteria: Invitae Variant Classification Sherloc (09022015). Collection method: clinical testing. Allele origin: germline.
Comment: This sequence change replaces alanine, which is neutral and non-polar, with glycine, which is neutral and non-polar, at codon 4 of the LEMD3 protein (p.Ala4Gly). This variant is not present in population databases (gnomAD no frequency). This variant has not been reported in the literature in individuals affected with LEMD3-related conditions. An algorithm developed to predict the effect of missense changes on protein structure and function (PolyPhen-2) suggests that this variant is likely to be tolerated. In summary, the available evidence is currently insufficient to determine the role of this variant in disease. Therefore, it has been classified as a Variant of Uncertain Significance.